The following is an entry in ClinVar:

NM_000218.3(KCNQ1):c.703A>C (p.Ile235Leu)

Gene: KCNQ1 (potassium voltage-gated channel subfamily Q member 1; plus strand). Cytogenetic location: 11p15.5.
Variant type: single nucleotide variant.
Coding change: c.703A>C on transcript NM_000218.3 (MANE Select); coding-DNA position 703, A replaced by C.
Protein change: p.Ile235Leu; replaces isoleucine 235 with leucine.
Molecular consequence: missense variant. On other transcripts: intron variant (1).
Genome position (GRCh38, 1-based): chr11:2,572,032, A>C. VCF-style: chr11-2572032-A-C. GRCh37 (hg19) VCF-style: chr11-2593262-A-C.
Other names: c.703A>C, p.Ile235Leu (NM_001406836.1); c.433A>C, p.Ile145Leu (NM_001406837.1); c.322A>C, p.Ile108Leu (NM_181798.2); c.478-11403A>C (NM_001406838.1); short protein forms I108L, I145L, I235L.
Identifiers: ClinVar variation 3641656 (VCV003641656.2).
Genomic context (GRCh38, chr11:2,572,032, plus strand): 5'-CCCAGCCTGGCTCCCTCAGCCCCACACCATCTCCTTCGCAGGGGCATCCGCTTCCTGCAG[A>C]TCCTGAGGATGCTACACGTCGACCGCCAGGGAGGCACCTGGAGGCTCCTGGGCTCCGTGG-3'
Protein context (NP_000209.2, residues 225-245): SAIRGIRFLQ[Ile235Leu]LRMLHVDRQG

ClinVar aggregate classification (germline): Likely pathogenic (1 of 4 stars; one submission).

Conditions:
Long QT syndrome (LQTS). Identifiers: MedGen C0023976, MeSH D008133, MONDO:0002442. Disease mechanism: loss of function. Inheritance: Various modes of inheritance.

Submission:

Labcorp Genetics (formerly Invitae), Labcorp
Classification: Likely pathogenic for Long QT syndrome. Last evaluated: 2024-05-15. Review status: criteria provided, single submitter. Criteria: Invitae Variant Classification Sherloc (09022015). Collection method: clinical testing. Allele origin: germline.
Comment: This sequence change replaces isoleucine, which is neutral and non-polar, with leucine, which is neutral and non-polar, at codon 235 of the KCNQ1 protein (p.Ile235Leu). This variant is not present in population databases (gnomAD no frequency). This variant has not been reported in the literature in individuals affected with KCNQ1-related conditions. Advanced modeling of protein sequence and biophysical properties (such as structural, functional, and spatial information, amino acid conservation, physicochemical variation, residue mobility, and thermodynamic stability) performed at Invitae indicates that this missense variant is expected to disrupt KCNQ1 protein function with a positive predictive value of 95%. This variant disrupts the p.Ile235 amino acid residue in KCNQ1. Other variant(s) that disrupt this residue have been determined to be pathogenic (PMID: 18452873, 22949429, 24269949). This suggests that this residue is clinically significant, and that variants that disrupt this residue are likely to be disease-causing. In summary, the currently available evidence indicates that the variant is pathogenic, but additional data are needed to prove that conclusively. Therefore, this variant has been classified as Likely Pathogenic.

Literature cited by the submitters: PubMed 18452873; PubMed 22949429; PubMed 24269949.